The following is an entry in ClinVar:

NM_001943.5(DSG2):c.1447G>A (p.Gly483Ser)

Gene: DSG2 (desmoglein 2; plus strand). Cytogenetic location: 18q12.1.
Variant type: single nucleotide variant.
Coding change: c.1447G>A on transcript NM_001943.5 (MANE Select); coding-DNA position 1447, G replaced by A.
Protein change: p.Gly483Ser; replaces glycine 483 with serine.
Molecular consequence: missense variant.
Genome position (GRCh38, 1-based): chr18:31,536,225, G>A. VCF-style: chr18-31536225-G-A. GRCh37 (hg19) VCF-style: chr18-29116188-G-A.
Other names: c.1447G>A (LRG_397t1); short protein forms G483S.
Identifiers: ClinVar variation 326479 (VCV000326479.24), dbSNP rs886053714, ClinGen allele CA10647463.
Genomic context (GRCh38, chr18:31,536,225, plus strand): 5'-AACAGAATGTACATACTTTTTCTCTCTTATTTTTAAGATTATCCTAGAAAAACCATCACT[G>A]GCACAGTCCTTATCAATGTTGAAGACATCAACGACAACTGTCCCACACTGATAGAGCCTG-3'
Protein context (NP_001934.2, residues 473-493): SEDYPRKTIT[Gly483Ser]TVLINVEDIN

ClinVar aggregate classification (germline): Uncertain significance. Review status: criteria provided, multiple submitters, no conflicts (2 of 4 stars). 6 submissions from 6 submitters: Uncertain significance (6). Last evaluated 2025-05-23.

Conditions:
Cardiovascular phenotype. Identifiers: MedGen CN230736.
Arrhythmogenic right ventricular cardiomyopathy (ARVD). Also called: Arrhythmogenic cardiomyopathy; Arrhythmogenic Right Ventricular Cardiomyopathy (ARVC); Cardiomyopathy, ARVC; Arrhythmogenic right ventricular dysplasia. Identifiers: Orphanet 247, MedGen C0349788, MeSH D019571, MONDO:0016587. Disease mechanism: loss of function. Inheritance: Various modes of inheritance.
Cardiomyopathy (CMYO). Also called: Cardiomyopathies. Identifiers: Orphanet 167848, MedGen C0878544, MONDO:0004994, HP:0001638. Inheritance: Various modes of inheritance.
Arrhythmogenic right ventricular dysplasia 10. Also called: ARRHYTHMOGENIC RIGHT VENTRICULAR DYSPLASIA, FAMILIAL, 10; Arrhythmogenic Right Ventricular Dysplasia/Cardiomyopathy10; Arrhythmogenic right ventricular dysplasia/cardiomyopathy, type 10. Identifiers: MedGen C1857777, MONDO:0012434, OMIM 610193.

Allele frequency attached by ClinVar (database versions not stated): gnomAD exomes 0.00001.
gnomAD v4.1: 19 of 1,614,016 alleles (0.0012%); highest among the groups gnomAD compares: Non-Finnish European, 0.0014%; no homozygotes.

Submissions (6):

Ambry Genetics
Classification: Uncertain significance for Cardiovascular phenotype. Last evaluated: 2025-05-23. Review status: criteria provided, single submitter. Criteria: Ambry Variant Classification Scheme 2023. Collection method: clinical testing. Allele origin: germline.
Comment: The p.G483S variant (also known as c.1447G>A), located in coding exon 11 of the DSG2 gene, results from a G to A substitution at nucleotide position 1447. The glycine at codon 483 is replaced by serine, an amino acid with similar properties. This amino acid position is highly conserved in available vertebrate species. In addition, the in silico prediction for this alteration is inconclusive. Since supporting evidence is limited at this time, the clinical significance of this alteration remains unclear.

Color Diagnostics, LLC DBA Color Health
Classification: Uncertain significance for Cardiomyopathy. Last evaluated: 2024-03-06. Review status: criteria provided, single submitter. Criteria: ACMG Guidelines, 2015. Collection method: clinical testing. Allele origin: germline.
Comment: This missense variant replaces glycine with serine at codon 483 of the DSG2 protein. Computational prediction is inconclusive regarding the impact of this variant on protein structure and function (internally defined REVEL score threshold 0.5 < inconclusive < 0.7, PMID: 27666373). To our knowledge, functional studies have not been reported for this variant. This variant has not been reported in individuals affected with DSG2-related disorders in the literature. This variant has not been identified in the general population by the Genome Aggregation Database (gnomAD). The available evidence is insufficient to determine the role of this variant in disease conclusively. Therefore, this variant is classified as a Variant of Uncertain Significance.

All of Us Research Program, National Institutes of Health
Classification: Uncertain significance for Arrhythmogenic right ventricular cardiomyopathy. Last evaluated: 2023-11-30. Review status: criteria provided, single submitter. Criteria: ACMG Guidelines, 2015. Collection method: clinical testing. Allele origin: germline. Inheritance: Autosomal dominant inheritance. Observed: 5 variant alleles, 5 heterozygotes.
Comment: Variant of Uncertain Significance due to insufficient evidence: This missense variant replaces glycine with serine at codon 483 of the DSG2 protein. Computational prediction tools and conservation analyses are inconclusive regarding the impact of this variant on the protein function. Computational splicing tools suggest that this variant may not impact RNA splicing. To our knowledge, functional assays have not been performed for this variant nor has this variant been reported in individuals affected with cardiovascular disorders in the literature. This variant is rare in the general population and has been identified in 0/277264 chromosomes by the Genome Aggregation Database (gnomAD). Available evidence is insufficient to determine the role of this variant in disease conclusively.

This study involves interpretation of variants in research participants for the purpose of population health screening. Participant phenotype was not available at the time of variant classification. Additional details can be found in publication PMID: 35346344, PMCID: PMC8962531

Labcorp Genetics (formerly Invitae), Labcorp
Classification: Uncertain significance for Arrhythmogenic right ventricular dysplasia 10. Last evaluated: 2022-03-18. Review status: criteria provided, single submitter. Criteria: Invitae Variant Classification Sherloc (09022015). Collection method: clinical testing. Allele origin: germline.
Comment: This sequence change replaces glycine, which is neutral and non-polar, with serine, which is neutral and polar, at codon 483 of the DSG2 protein (p.Gly483Ser). This variant is not present in population databases (gnomAD no frequency). This variant has not been reported in the literature in individuals affected with DSG2-related conditions. ClinVar contains an entry for this variant (Variation ID: 326479). Algorithms developed to predict the effect of missense changes on protein structure and function (SIFT, PolyPhen-2, Align-GVGD) all suggest that this variant is likely to be disruptive. In summary, the available evidence is currently insufficient to determine the role of this variant in disease. Therefore, it has been classified as a Variant of Uncertain Significance.

Victorian Clinical Genetics Services, Murdoch Childrens Research Institute
Classification: Uncertain significance for Arrhythmogenic right ventricular dysplasia 10. Last evaluated: 2020-05-26. Review status: criteria provided, single submitter. Criteria: ACMG Guidelines, 2015. Collection method: clinical testing. Allele origin: germline. Affected: yes.
Comment: Based on the classification scheme VCGS_Germline_v1.1.1, this variant is classified as 3B-VUS. Following criteria are met: 0103 - Both loss- and gain-of-function are known mechanisms of disease for this gene (ClinVar, PMID: 23071725). (N) 0107 - This gene is known to be associated with autosomal dominant disease with reduced penetrance. Digenic inheritance has also been reported (OMIM). (N) 0112 - Variants in this gene are known to have reduced penetrance (OMIM). (N) 0200 - Variant is predicted to result in a missense amino acid change from glycine to serine (exon 11). (N) 0251 - Variant is heterozygous. (N) 0301 - Variant is absent from gnomAD. (P) 0502 - Missense variant with conflicting in-silico predictions and/or uninformative conservation. (N) 0600 - Variant is located in an annotated domain or motif (cadherin repeat; NCBI, PDB). (N) 0704 - Comparable variant has low previous evidence for pathogenicity. An alternate change to aspartic acid at the same residue has previously been reported as pathogenic (PMID: 29178656). (N) 0804 - Variant has previously been described as variant of uncertain significance (ClinVar, Cardiomyopathy Database). (N) 0905 - No segregation evidence has been identified for this variant. (N) 1007 - No published functional evidence has been identified for this variant. (N) Legend: (P) - Pathogenic, (N) - Neutral, (B) - Benign

Illumina Laboratory Services, Illumina
Classification: Uncertain significance for Arrhythmogenic right ventricular dysplasia 10. Last evaluated: 2018-01-13. Review status: criteria provided, single submitter. Criteria: ICSL Variant Classification Criteria 13 December 2019. Collection method: clinical testing. Allele origin: germline.

Literature cited by the submitters: PubMed 23071725 (cited by Victorian Clinical Genetics Services, Murdoch Childrens Research Institute); PubMed 29178656 (cited by Victorian Clinical Genetics Services, Murdoch Childrens Research Institute).